The following is an entry in ClinVar:

ClinVar aggregate classification (germline): Conflicting classifications of pathogenicity. Review status: criteria provided, conflicting classifications (1 of 4 stars). 8 submissions from 7 submitters: Uncertain significance (6); Benign (1). 1 of the submissions does not count toward it. Last evaluated 2026-01-28.

Conditions:
Adams-Oliver syndrome 5 (AOS5). Identifiers: Orphanet 974, MedGen C4014970, MONDO:0014459, OMIM 616028.
NOTCH1-related disorder. Also called: NOTCH1-related condition; NOTCH1-related disorders.
Familial thoracic aortic aneurysm and aortic dissection (TAAD). Also called: Thoracic aortic aneurysms and dissections. Identifiers: Orphanet 91387, MedGen C4707243, MONDO:0019625.
Aortic valve disease 1 (AOVD1). Identifiers: MedGen C3887892, MONDO:0024523, OMIM 109730.

Allele frequency attached by ClinVar (database versions not stated): ExAC 0.00002; gnomAD exomes 0.00004 and 0.00007; TOPMed 0.00005.
gnomAD v4.1: 110 of 1,609,926 alleles (0.0068%); highest among the groups gnomAD compares: Non-Finnish European, 0.0088%; 1 homozygote.

Submissions (8):

Labcorp Genetics (formerly Invitae), Labcorp
Classification: Benign for Adams-Oliver syndrome 5. Last evaluated: 2026-01-28. Review status: criteria provided, single submitter. Criteria: Invitae Variant Classification Sherloc (09022015). Collection method: clinical testing. Allele origin: germline.

GeneDx
Classification: Uncertain significance. Last evaluated: 2025-07-10. Review status: criteria provided, single submitter. Criteria: GeneDx Variant Classification Process June 2021. Collection method: clinical testing. Allele origin: germline. Affected: yes.
Comment: Has not been previously published as pathogenic or benign to our knowledge; In silico analysis suggests that this missense variant does not alter protein structure/function; This variant is associated with the following publications: (PMID: 27535533)

Ambry Genetics
Classification: Uncertain significance for Familial thoracic aortic aneurysm and aortic dissection. Last evaluated: 2023-11-15. Review status: criteria provided, single submitter. Criteria: Ambry Variant Classification Scheme 2023. Collection method: clinical testing. Allele origin: germline.
Comment: The p.N1327S variant (also known as c.3980A>G), located in coding exon 24 of the NOTCH1 gene, results from an A to G substitution at nucleotide position 3980. The asparagine at codon 1327 is replaced by serine, an amino acid with highly similar properties. This amino acid position is highly conserved in available vertebrate species. In addition, this alteration is predicted to be tolerated by in silico analysis. Since supporting evidence is limited at this time, the clinical significance of this alteration remains unclear.

CHEO Genetics Diagnostic Laboratory, Children's Hospital of Eastern Ontario
Classification: Uncertain significance for Familial thoracic aortic aneurysm and aortic dissection. Last evaluated: 2022-03-22. Review status: criteria provided, single submitter. Criteria: ACMG Guidelines, 2015. Collection method: clinical testing. Allele origin: germline.

Genome-Nilou Lab
Classification: Uncertain significance for Adams-Oliver syndrome 5. Last evaluated: 2022-03-15. Review status: criteria provided, single submitter. Criteria: ACMG Guidelines, 2015. Collection method: clinical testing. Allele origin: germline. Affected: no.

Genome-Nilou Lab
Classification: Uncertain significance for Aortic valve disease 1. Last evaluated: 2022-03-15. Review status: criteria provided, single submitter. Criteria: ACMG Guidelines, 2015. Collection method: clinical testing. Allele origin: germline. Affected: no.

Mayo Clinic Laboratories, Mayo Clinic
Classification: Uncertain significance. Last evaluated: 2021-11-17. Review status: criteria provided, single submitter. Criteria: ACMG Guidelines, 2015. Collection method: clinical testing. Allele origin: germline.

PreventionGenetics, part of Exact Sciences
Classification: Uncertain significance for NOTCH1-related condition. Last evaluated: 2024-03-29. Review status: no assertion criteria provided. Collection method: clinical testing. Allele origin: germline. Not counted in ClinVar's aggregate classification.
Comment: The NOTCH1 c.3980A>G variant is predicted to result in the amino acid substitution p.Asn1327Ser. To our knowledge, this variant has not been reported in the literature. This variant is reported in 0.0068% of alleles in individuals of African descent in gnomAD. At this time, the clinical significance of this variant is uncertain due to the absence of conclusive functional and genetic evidence.

NM_017617.5(NOTCH1):c.3980A>G (p.Asn1327Ser)

Gene: NOTCH1 (notch receptor 1; minus strand). Cytogenetic location: 9q34.3.
Variant type: single nucleotide variant.
Coding change: c.3980A>G on transcript NM_017617.5 (MANE Select); coding-DNA position 3980, A replaced by G.
Protein change: p.Asn1327Ser; replaces asparagine 1327 with serine.
Molecular consequence: missense variant.
Genome position (GRCh38, 1-based): chr9:136,506,561, T>C on the plus strand (A>G on the coding strand, the complement: NOTCH1 is on the minus strand). VCF-style: chr9-136506561-T-C. GRCh37 (hg19) VCF-style: chr9-139401013-T-C.
Other names: p.Asn1327Ser; c.3980A>G (NM_017617.4); short protein forms N1327S.
Identifiers: ClinVar variation 1051166 (VCV001051166.15), dbSNP rs751874720, ClinGen allele CA5340741.
Genomic context (GRCh38, chr9:136,506,561, plus strand): 5'-CTGCCTCCCTGCACCCCTGCACCTACCGCAGGGCACTTGCAGATGAACCCGCGGGCGGTG[T>C]TGGAGGCCACGGCGCAGGTGCCCCCATTCTTGCAGGGCTTGCCTTTGCAGCCATTGATGA-3'
Protein context (NP_060087.3, residues 1317-1337): KNGGTCAVAS[Asn1327Ser]TARGFICKCP